The following is an entry in ClinVar:

ClinVar aggregate classification (germline): Likely benign (0 of 4 stars; one submission).

Conditions:
CAMK2A-related disorder. Also called: CAMK2A-related condition.

Allele frequency attached by ClinVar (database versions not stated): gnomAD exomes 0.00006; gnomAD 0.00007; TOPMed 0.00013; ExAC 0.00017; 1000 Genomes Project 0.00020; 1000 Genomes Project 30x 0.00047.
gnomAD v4.1: 101 of 1,614,040 alleles (0.0063%); highest among the groups gnomAD compares: East Asian, 0.13%; 1 homozygote.

Submission:

PreventionGenetics, part of Exact Sciences
Classification: Likely benign for CAMK2A-related condition. Last evaluated: 2023-02-20. Review status: no assertion criteria provided. Collection method: clinical testing. Allele origin: germline.
Comment: This variant is classified as likely benign based on ACMG/AMP sequence variant interpretation guidelines (Richards et al. 2015 PMID: 25741868, with internal and published modifications).

NM_015981.4(CAMK2A):c.726G>A (p.Pro242=)

Gene: CAMK2A (calcium/calmodulin dependent protein kinase II alpha; minus strand). Cytogenetic location: 5q32.
Variant type: single nucleotide variant.
Coding change: c.726G>A on transcript NM_015981.4 (MANE Select); coding-DNA position 726, G replaced by A.
Protein change: p.Pro242=; no amino-acid change (proline 242 retained).
Molecular consequence: synonymous variant.
Genome position (GRCh38, 1-based): chr5:150,250,778, C>T on the plus strand (G>A on the coding strand, the complement: CAMK2A is on the minus strand). VCF-style: chr5-150250778-C-T. GRCh37 (hg19) VCF-style: chr5-149630341-C-T.
Other names: c.726G>A, p.Pro242= (NM_001363989.1, NM_001363990.1, NM_001369025.2 and 1 more transcripts).
Identifiers: ClinVar variation 3036275 (VCV003036275.2), dbSNP rs186348077, ClinGen allele CA3509760.